The following is an entry in ClinVar:

ClinVar aggregate classification (germline): Uncertain significance. Review status: criteria provided, multiple submitters, no conflicts (2 of 4 stars). 2 submissions from 2 submitters: Uncertain significance (2). Last evaluated 2025-08-25.

Conditions:
Familial focal epilepsy with variable foci (FPEVF). Identifiers: Orphanet 98820, MedGen C1858477, MONDO:0020310.
Inborn genetic diseases. Identifiers: MedGen C0950123, MeSH D030342.

Allele frequency attached by ClinVar (database versions not stated): gnomAD 0.00001; TOPMed 0.00001.
gnomAD v4.1: 2 of 1,613,976 alleles (0.00012%); highest among the groups gnomAD compares: Non-Finnish European, 0.00017%; no homozygotes.

Submissions (2):

Ambry Genetics
Classification: Uncertain significance for Inborn genetic diseases. Last evaluated: 2025-08-25. Review status: criteria provided, single submitter. Criteria: Ambry Variant Classification Scheme 2023. Collection method: clinical testing. Allele origin: germline.

Labcorp Genetics (formerly Invitae), Labcorp
Classification: Uncertain significance for Familial focal epilepsy with variable foci. Last evaluated: 2023-05-27. Review status: criteria provided, single submitter. Criteria: Invitae Variant Classification Sherloc (09022015). Collection method: clinical testing. Allele origin: germline.
Comment: Experimental studies and prediction algorithms are not available or were not evaluated, and the functional significance of this variant is currently unknown. In summary, the available evidence is currently insufficient to determine the role of this variant in disease. Therefore, it has been classified as a Variant of Uncertain Significance. ClinVar contains an entry for this variant (Variation ID: 935440). This sequence change replaces proline, which is neutral and non-polar, with serine, which is neutral and polar, at codon 1434 of the DEPDC5 protein (p.Pro1434Ser). This variant is not present in population databases (gnomAD no frequency). This variant has not been reported in the literature in individuals affected with DEPDC5-related conditions.

NM_001242896.3(DEPDC5):c.4300C>T (p.Pro1434Ser)

Gene: DEPDC5 (DEP domain containing 5, GATOR1 subcomplex subunit; plus strand). Cytogenetic location: 22q12.3.
Variant type: single nucleotide variant.
Coding change: c.4300C>T on transcript NM_001242896.3 (MANE Select); coding-DNA position 4300, C replaced by T.
Protein change: p.Pro1434Ser; replaces proline 1434 with serine.
Molecular consequence: missense variant. On other transcripts: non-coding transcript variant (5).
Genome position (GRCh38, 1-based): chr22:31,897,578, C>T. VCF-style: chr22-31897578-C-T. GRCh37 (hg19) VCF-style: chr22-32293564-C-T.
Other names: c.4273C>T, p.Pro1425Ser (NM_001136029.4); c.4000C>T, p.Pro1334Ser (NM_001242897.2); c.4234C>T, p.Pro1412Ser (NM_001363852.2, NM_001364320.2); c.4066C>T, p.Pro1356Ser (NM_001363854.2, NM_001364319.2); c.4300C>T, p.Pro1434Ser (NM_001364318.2); c.4216C>T, p.Pro1406Ser (NM_001369901.1, NM_001369902.1); c.4207C>T, p.Pro1403Ser (NM_001369903.1, NM_014662.6); short protein forms P1356S, P1334S, P1406S, P1412S, P1403S, P1425S, P1434S.
Identifiers: ClinVar variation 935440 (VCV000935440.10), dbSNP rs1188012593, ClinGen allele CA411288517.